The following is an entry in ClinVar:

ClinVar aggregate classification (germline): Uncertain significance (1 of 4 stars; one submission).

Allele frequency attached by ClinVar (database versions not stated): ExAC 0.00001; gnomAD exomes 0.00001; gnomAD 0.00003 and 0.00004; ESP Exome Variant Server 0.00008.

Submission:

Labcorp Genetics (formerly Invitae), Labcorp
Classification: Uncertain significance. Last evaluated: 2023-04-05. Review status: criteria provided, single submitter. Criteria: Invitae Variant Classification Sherloc (09022015). Collection method: clinical testing. Allele origin: germline.
Comment: In summary, the available evidence is currently insufficient to determine the role of this variant in disease. Therefore, it has been classified as a Variant of Uncertain Significance. Advanced modeling of protein sequence and biophysical properties (such as structural, functional, and spatial information, amino acid conservation, physicochemical variation, residue mobility, and thermodynamic stability) has been performed at Invitae for this missense variant, however the output from this modeling did not meet the statistical confidence thresholds required to predict the impact of this variant on PCYT1A protein function. ClinVar contains an entry for this variant (Variation ID: 1467367). This variant has not been reported in the literature in individuals affected with PCYT1A-related conditions. This variant is present in population databases (rs373774305, gnomAD 0.02%). This sequence change replaces proline, which is neutral and non-polar, with arginine, which is basic and polar, at codon 44 of the PCYT1A protein (p.Pro44Arg).

NM_001312673.2(PCYT1A):c.131C>G (p.Pro44Arg)

Gene: PCYT1A (phosphate cytidylyltransferase 1A, choline; minus strand). Cytogenetic location: 3q29.
Variant type: single nucleotide variant.
Coding change: c.131C>G on transcript NM_001312673.2 (MANE Select); coding-DNA position 131, C replaced by G.
Protein change: p.Pro44Arg; replaces proline 44 with arginine.
Molecular consequence: missense variant.
Genome position (GRCh38, 1-based): chr3:196,257,874, G>C on the plus strand (C>G on the coding strand, the complement: PCYT1A is on the minus strand). VCF-style: chr3-196257874-G-C. GRCh37 (hg19) VCF-style: chr3-195984745-G-C.
Other names: c.131C>G, p.Pro44Arg (NM_005017.4); short protein forms P44R.
Identifiers: ClinVar variation 1467367 (VCV001467367.8), dbSNP rs373774305, ClinGen allele CA2779621.